The following is an entry in ClinVar:

NM_001852.4(COL9A2):c.64C>G (p.Leu22Val)

Gene: COL9A2 (collagen type IX alpha 2 chain; minus strand). Cytogenetic location: 1p34.2.
Variant type: single nucleotide variant.
Coding change: c.64C>G on transcript NM_001852.4 (MANE Select); coding-DNA position 64, C replaced by G.
Protein change: p.Leu22Val; replaces leucine 22 with valine.
Molecular consequence: missense variant.
Genome position (GRCh38, 1-based): chr1:40,317,134, G>C on the plus strand (C>G on the coding strand, the complement: COL9A2 is on the minus strand). VCF-style: chr1-40317134-G-C. GRCh37 (hg19) VCF-style: chr1-40782806-G-C.
Other names: short protein forms L22V.
Identifiers: ClinVar variation 2300235 (VCV002300235.5), dbSNP rs750061947, ClinGen allele CA792128.

ClinVar aggregate classification (germline): Uncertain significance. Review status: criteria provided, multiple submitters, no conflicts (2 of 4 stars). 2 submissions from 2 submitters: Uncertain significance (2). Last evaluated 2024-01-18.

Conditions:
Inborn genetic diseases. Identifiers: MedGen C0950123, MeSH D030342.

Allele frequency attached by ClinVar (database versions not stated): TOPMed 0.00002; ExAC 0.00004.

Submissions (2):

Labcorp Genetics (formerly Invitae), Labcorp
Classification: Uncertain significance. Last evaluated: 2024-01-18. Review status: criteria provided, single submitter. Criteria: Invitae Variant Classification Sherloc (09022015). Collection method: clinical testing. Allele origin: germline.
Comment: This sequence change replaces leucine, which is neutral and non-polar, with valine, which is neutral and non-polar, at codon 22 of the COL9A2 protein (p.Leu22Val). This variant is present in population databases (rs750061947, gnomAD 0.02%). This variant has not been reported in the literature in individuals affected with COL9A2-related conditions. ClinVar contains an entry for this variant (Variation ID: 2300235). Advanced modeling of protein sequence and biophysical properties (such as structural, functional, and spatial information, amino acid conservation, physicochemical variation, residue mobility, and thermodynamic stability) performed at Invitae indicates that this missense variant is not expected to disrupt COL9A2 protein function with a negative predictive value of 95%. In summary, the available evidence is currently insufficient to determine the role of this variant in disease. Therefore, it has been classified as a Variant of Uncertain Significance.

Ambry Genetics
Classification: Uncertain significance for Inborn genetic diseases. Last evaluated: 2022-07-08. Review status: criteria provided, single submitter. Criteria: Ambry Variant Classification Scheme 2023. Collection method: clinical testing. Allele origin: germline.